The following is an entry in ClinVar:

ClinVar aggregate classification (germline): Uncertain significance (1 of 4 stars; one submission).

Submission:

Labcorp Genetics (formerly Invitae), Labcorp
Classification: Uncertain significance. Last evaluated: 2023-09-10. Review status: criteria provided, single submitter. Criteria: Invitae Variant Classification Sherloc (09022015). Collection method: clinical testing. Allele origin: germline.
Comment: In summary, the available evidence is currently insufficient to determine the role of this variant in disease. Therefore, it has been classified as a Variant of Uncertain Significance. Advanced modeling of protein sequence and biophysical properties (such as structural, functional, and spatial information, amino acid conservation, physicochemical variation, residue mobility, and thermodynamic stability) performed at Invitae indicates that this missense variant is not expected to disrupt COL9A2 protein function. This variant has not been reported in the literature in individuals affected with COL9A2-related conditions. This variant is not present in population databases (gnomAD no frequency). This sequence change replaces arginine, which is basic and polar, with proline, which is neutral and non-polar, at codon 640 of the COL9A2 protein (p.Arg640Pro).

NM_001852.4(COL9A2):c.1919G>C (p.Arg640Pro)

Gene: COL9A2 (collagen type IX alpha 2 chain; minus strand). Cytogenetic location: 1p34.2.
Variant type: single nucleotide variant.
Coding change: c.1919G>C on transcript NM_001852.4 (MANE Select); coding-DNA position 1919, G replaced by C.
Protein change: p.Arg640Pro; replaces arginine 640 with proline.
Molecular consequence: missense variant.
Genome position (GRCh38, 1-based): chr1:40,301,333, C>G on the plus strand (G>C on the coding strand, the complement: COL9A2 is on the minus strand). VCF-style: chr1-40301333-C-G. GRCh37 (hg19) VCF-style: chr1-40767005-C-G.
Other names: short protein forms R640P.
Identifiers: ClinVar variation 2757514 (VCV002757514.3), dbSNP rs930549037, ClinGen allele CA339874212.